The following is an entry in ClinVar:

NM_000255.4(MMUT):c.721A>G (p.Ile241Val)

Gene: MMUT (methylmalonyl-CoA mutase; minus strand). Cytogenetic location: 6p12.3.
Variant type: single nucleotide variant.
Coding change: c.721A>G on transcript NM_000255.4 (MANE Select); coding-DNA position 721, A replaced by G.
Protein change: p.Ile241Val; replaces isoleucine 241 with valine.
Molecular consequence: missense variant.
Genome position (GRCh38, 1-based): chr6:49,457,723, T>C on the plus strand (A>G on the coding strand, the complement: MMUT is on the minus strand). VCF-style: chr6-49457723-T-C. GRCh37 (hg19) VCF-style: chr6-49425436-T-C.
Other names: c.721A>G (NM_000255.3); short protein forms I241V.
Identifiers: ClinVar variation 2200284 (VCV002200284.3), dbSNP rs145586906, ClinGen allele CA3847067.

ClinVar aggregate classification (germline): Uncertain significance. Review status: criteria provided, multiple submitters, no conflicts (2 of 4 stars). 2 submissions from 2 submitters: Uncertain significance (2). Last evaluated 2023-03-29.

Allele frequency attached by ClinVar (database versions not stated): ExAC 0.00003; gnomAD 0.00004; TOPMed 0.00006; ESP Exome Variant Server 0.00008; gnomAD exomes 0.00008.

Submissions (2):

Ambry Genetics
Classification: Uncertain significance. Last evaluated: 2023-03-29. Review status: criteria provided, single submitter. Criteria: Ambry Variant Classification Scheme 2023. Collection method: clinical testing. Allele origin: germline.

Labcorp Genetics (formerly Invitae), Labcorp
Classification: Uncertain significance. Last evaluated: 2022-04-19. Review status: criteria provided, single submitter. Criteria: Invitae Variant Classification Sherloc (09022015). Collection method: clinical testing. Allele origin: germline.
Comment: This sequence change replaces isoleucine, which is neutral and non-polar, with valine, which is neutral and non-polar, at codon 241 of the MUT protein (p.Ile241Val). This variant is present in population databases (rs145586906, gnomAD 0.009%). This variant has not been reported in the literature in individuals affected with MUT-related conditions. Algorithms developed to predict the effect of missense changes on protein structure and function (SIFT, PolyPhen-2, Align-GVGD) all suggest that this variant is likely to be tolerated. In summary, the available evidence is currently insufficient to determine the role of this variant in disease. Therefore, it has been classified as a Variant of Uncertain Significance.